The following is an entry in ClinVar:

NM_001378615.1(CC2D2A):c.622G>T (p.Glu208Ter)

Genes: CC2D2A (coiled-coil and C2 domain containing 2A; plus strand), FBXL5 (F-box and leucine rich repeat protein 5; minus strand). Cytogenetic location: 4p15.32.
Variant type: single nucleotide variant.
Coding change: c.622G>T on transcript NM_001378615.1 (MANE Select); coding-DNA position 622, G replaced by T.
Protein change: p.Glu208Ter; replaces glutamic acid 208 with a stop codon.
Molecular consequence: nonsense.
Genome position (GRCh38, 1-based): chr4:15,511,328, G>T. VCF-style: chr4-15511328-G-T. GRCh37 (hg19) VCF-style: chr4-15512951-G-T.
Other names: c.622G>T, p.Glu208Ter (NM_001080522.2); c.475G>T, p.Glu159Ter (NM_001378617.1); short protein forms E159*, E208*.
Identifiers: ClinVar variation 3756774 (VCV003756774.3).

ClinVar aggregate classification (germline): Pathogenic. Review status: criteria provided, multiple submitters, no conflicts (2 of 4 stars). 2 submissions from 2 submitters: Pathogenic (2). Last evaluated 2024-11-23.

Conditions:
Joubert syndrome. Also called: JOUBERT-BOLTSHAUSER SYNDROME; Familial aplasia of the vermis. Identifiers: Orphanet 475, MedGen C5979921, MONDO:0018772.
Meckel-Gruber syndrome. Also called: DYSENCEPHALIA SPLANCHNOCYSTICA; GRUBER SYNDROME; Dysencephalia splachnocystica. Identifiers: Orphanet 564, MedGen C0265215, MONDO:0018921.
Joubert syndrome and related disorders. Identifiers: Orphanet 140874, MedGen C5679612, MONDO:0015369.

Submissions (2):

Labcorp Genetics (formerly Invitae), Labcorp
Classification: Pathogenic for Joubert syndrome; Meckel-Gruber syndrome. Last evaluated: 2024-11-23. Review status: criteria provided, single submitter. Criteria: Invitae Variant Classification Sherloc (09022015). Collection method: clinical testing. Allele origin: germline.
Comment: This sequence change creates a premature translational stop signal (p.Glu208*) in the CC2D2A gene. It is expected to result in an absent or disrupted protein product. Loss-of-function variants in CC2D2A are known to be pathogenic (PMID: 19777577). This variant is not present in population databases (gnomAD no frequency). This variant has not been reported in the literature in individuals affected with CC2D2A-related conditions. For these reasons, this variant has been classified as Pathogenic.

Myriad Genetics, Inc.
Classification: Pathogenic for Joubert syndrome and related disorders. Last evaluated: 2024-06-03. Review status: criteria provided, single submitter. Criteria: Myriad Autosomal Dominant, Autosomal Recessive and X-Linked Classification Criteria (2023). Collection method: clinical testing. Allele origin: unknown.
Comment: NM_001080522.2(CC2D2A):c.622G>T(E208*) is expected to be pathogenic in the context of CC2D2A-related disorders. This variant is predicted to lead to an abnormal or absent protein product due to the creation of a premature termination codon in CC2D2A, a gene where loss-of-function variants are known to be pathogenic. Please note: this variant was assessed in the context of healthy population screening.

Literature cited by the submitters: PubMed 19777577 (cited by Labcorp Genetics (formerly Invitae), Labcorp).